The following is an entry in ClinVar:

ClinVar aggregate classification (germline): Uncertain significance (1 of 4 stars; one submission).

Submission:

GeneDx
Classification: Uncertain significance. Last evaluated: 2026-03-20. Review status: criteria provided, single submitter. Criteria: GeneDx Variant Classification Process June 2021. Collection method: clinical testing. Allele origin: germline.
Comment: Not observed at significant frequency in large population cohorts (gnomAD); In silico analysis supports that this missense variant has a deleterious effect on protein structure/function; Has not been previously published as pathogenic or benign to our knowledge

NM_003458.4(BSN):c.3151G>A (p.Glu1051Lys)

Gene: BSN (bassoon presynaptic cytomatrix protein; plus strand). Cytogenetic location: 3p21.31.
Variant type: single nucleotide variant.
Coding change: c.3151G>A on transcript NM_003458.4 (MANE Select); coding-DNA position 3151, G replaced by A.
Protein change: p.Glu1051Lys; replaces glutamic acid 1051 with lysine.
Molecular consequence: missense variant.
Genome position (GRCh38, 1-based): chr3:49,652,707, G>A. VCF-style: chr3-49652707-G-A. GRCh37 (hg19) VCF-style: chr3-49690140-G-A.
Other names: short protein forms E1051K.
Identifiers: ClinVar variation 5009555 (VCV005009555.1).